The following is an entry in ClinVar:

NM_021008.4(DEAF1):c.20C>T (p.Ala7Val)

Gene: DEAF1 (DEAF1 transcription factor; minus strand). Cytogenetic location: 11p15.5.
Variant type: single nucleotide variant.
Coding change: c.20C>T on transcript NM_021008.4 (MANE Select); coding-DNA position 20, C replaced by T.
Protein change: p.Ala7Val; replaces alanine 7 with valine.
Molecular consequence: missense variant. On other transcripts: intron variant (1).
Genome position (GRCh38, 1-based): chr11:695,028, G>A on the plus strand (C>T on the coding strand, the complement: DEAF1 is on the minus strand). VCF-style: chr11-695028-G-A. GRCh37 (hg19) VCF-style: chr11-695028-G-A.
Other names: c.20C>T, p.Ala7Val (NM_001293634.2); c.-437-3430C>T (NM_001367390.1); short protein forms A7V.
Identifiers: ClinVar variation 3649138 (VCV003649138.2).
Genomic context (GRCh38, chr11:695,028, plus strand): 5'-GCCGCCACAGCGGCCGCGGCCGCCACCGCCGCCGCCTCAGCCAGGCCCAGCTGCTTTGCC[G>A]CCGAGTCCGAGTCCTCCATCCGGACTCCGCCGAGCCTTCCCGAAGGCGCCGTCCGGGACC-3'
Protein context (NP_066288.2, residues 1-17): MEDSDS[Ala7Val]AKQLGLAEAA

ClinVar aggregate classification (germline): Uncertain significance (1 of 4 stars; one submission).

Submission:

Labcorp Genetics (formerly Invitae), Labcorp
Classification: Uncertain significance. Last evaluated: 2024-04-08. Review status: criteria provided, single submitter. Criteria: Invitae Variant Classification Sherloc (09022015). Collection method: clinical testing. Allele origin: germline.
Comment: This sequence change replaces alanine, which is neutral and non-polar, with valine, which is neutral and non-polar, at codon 7 of the DEAF1 protein (p.Ala7Val). The frequency data for this variant in the population databases is considered unreliable, as metrics indicate poor data quality at this position in the gnomAD database. This variant has not been reported in the literature in individuals affected with DEAF1-related conditions. Advanced modeling of protein sequence and biophysical properties (such as structural, functional, and spatial information, amino acid conservation, physicochemical variation, residue mobility, and thermodynamic stability) performed at Invitae indicates that this missense variant is not expected to disrupt DEAF1 protein function with a negative predictive value of 80%. In summary, the available evidence is currently insufficient to determine the role of this variant in disease. Therefore, it has been classified as a Variant of Uncertain Significance.